The following is an entry in ClinVar:

ClinVar aggregate classification (germline): Uncertain significance (1 of 4 stars; one submission).

Conditions:
Muscular dystrophy-dystroglycanopathy (congenital with brain and eye anomalies), type a, 8 (MDDGA8). Also called: WALKER-WARBURG SYNDROME OR MUSCLE-EYE-BRAIN DISEASE, GTDC2-RELATED. Identifiers: Orphanet 899, MedGen C3553813, MONDO:0013904, OMIM 614830.

Allele frequency attached by ClinVar (database versions not stated): ExAC 0.00002; gnomAD exomes 0.00002; gnomAD 0.00003 and 0.00004; TOPMed 0.00004; ESP Exome Variant Server 0.00008.
gnomAD v4.1: 41 of 1,614,028 alleles (0.0025%); highest among the groups gnomAD compares: Admixed American, 0.0067%; no homozygotes.

Submission:

Labcorp Genetics (formerly Invitae), Labcorp
Classification: Uncertain significance for Muscular dystrophy-dystroglycanopathy (congenital with brain and eye anomalies), type a, 8. Last evaluated: 2022-08-01. Review status: criteria provided, single submitter. Criteria: Invitae Variant Classification Sherloc (09022015). Collection method: clinical testing. Allele origin: germline.
Comment: This variant is present in population databases (rs140047437, gnomAD 0.006%). In summary, the available evidence is currently insufficient to determine the role of this variant in disease. Therefore, it has been classified as a Variant of Uncertain Significance. Algorithms developed to predict the effect of missense changes on protein structure and function (SIFT, PolyPhen-2, Align-GVGD) all suggest that this variant is likely to be disruptive. ClinVar contains an entry for this variant (Variation ID: 1400936). This variant has not been reported in the literature in individuals affected with POMGNT2-related conditions. This sequence change replaces phenylalanine, which is neutral and non-polar, with valine, which is neutral and non-polar, at codon 96 of the POMGNT2 protein (p.Phe96Val).

NM_032806.6(POMGNT2):c.286T>G (p.Phe96Val)

Gene: POMGNT2 (protein O-linked mannose N-acetylglucosaminyltransferase 2 (beta 1,4-); minus strand). Cytogenetic location: 3p22.1.
Variant type: single nucleotide variant.
Coding change: c.286T>G on transcript NM_032806.6 (MANE Select); coding-DNA position 286, T replaced by G.
Protein change: p.Phe96Val; replaces phenylalanine 96 with valine.
Molecular consequence: missense variant.
Genome position (GRCh38, 1-based): chr3:43,081,146, A>C on the plus strand (T>G on the coding strand, the complement: POMGNT2 is on the minus strand). VCF-style: chr3-43081146-A-C. GRCh37 (hg19) VCF-style: chr3-43122638-A-C.
Other names: short protein forms F96V.
Identifiers: ClinVar variation 1400936 (VCV001400936.7), dbSNP rs140047437, ClinGen allele CA2340110.
Genomic context (GRCh38, chr3:43,081,146, plus strand): 5'-GGGCTGGCTGGAAGCGCCGGGAGCCCAGGTTGGGCAGCATGACAGAGGTGTTGCCATGGA[A>C]GAAGATGAACTCCTCAGCCTCGTTGGAGTAGCAGAGCCACTTGAAGCGGCAGATGCGGTC-3'
Protein context (NP_116195.2, residues 86-106): YSNEAEEFIF[Phe96Val]HGNTSVMLPN